The following is an entry in ClinVar:

ClinVar aggregate classification (germline): Pathogenic (1 of 4 stars; one submission).

Submission:

Labcorp Genetics (formerly Invitae), Labcorp
Classification: Pathogenic. Last evaluated: 2021-05-26. Review status: criteria provided, single submitter. Criteria: Invitae Variant Classification Sherloc (09022015). Collection method: clinical testing. Allele origin: germline.
Comment: The frequency data for this variant in the population databases is considered unreliable, as metrics indicate insufficient coverage at this position in the ExAC database. This sequence change creates a premature translational stop signal (p.Pro210Argfs*35) in the LEMD3 gene. It is expected to result in an absent or disrupted protein product. Loss-of-function variants in LEMD3 are known to be pathogenic (PMID: 15489854, 19438932). This variant has not been reported in the literature in individuals with LEMD3-related conditions. For these reasons, this variant has been classified as Pathogenic.

Literature cited by the submitters: PubMed 15489854; PubMed 19438932.

NM_014319.5(LEMD3):c.629del (p.Pro210fs)

Gene: LEMD3 (LEM domain containing 3; plus strand). Cytogenetic location: 12q14.3.
Variant type: Deletion.
Coding change: c.629del on transcript NM_014319.5 (MANE Select); coding-DNA position 629, one base deleted (C; older notation c.629delC).
Protein change: p.Pro210fs; shifts the reading frame from proline 210.
Molecular consequence: frameshift variant.
Genome position (GRCh38, 1-based): chr12:65,170,225, C deleted; the last of 4 consecutive C bases (chr12:65,170,222-65,170,225); deleting any one gives the same sequence. VCF-style (leftmost placement, unchanged base first): chr12-65170221-AC-A. GRCh37 (hg19) VCF-style: chr12-65564001-AC-A.
Other names: c.629del, p.Pro210fs (NM_001167614.2); short protein forms P210fs.
Identifiers: ClinVar variation 1453699 (VCV001453699.6), dbSNP rs2136312865, ClinGen allele CA2573148963.